The following is an entry in ClinVar:

ClinVar aggregate classification (germline): Uncertain significance (1 of 4 stars; one submission).

Submission:

Labcorp Genetics (formerly Invitae), Labcorp
Classification: Uncertain significance. Last evaluated: 2025-06-16. Review status: criteria provided, single submitter. Criteria: Invitae Variant Classification Sherloc (09022015). Collection method: clinical testing. Allele origin: germline.
Comment: This sequence change replaces serine, which is neutral and polar, with leucine, which is neutral and non-polar, at codon 439 of the CYP7A1 protein (p.Ser439Leu). This variant is present in population databases (rs780673203, gnomAD 0.0009%). This variant has not been reported in the literature in individuals affected with CYP7A1-related conditions. Invitae Evidence Modeling of protein sequence and biophysical properties (such as structural, functional, and spatial information, amino acid conservation, physicochemical variation, residue mobility, and thermodynamic stability) indicates that this missense variant is not expected to disrupt CYP7A1 protein function with a negative predictive value of 80%. In summary, the available evidence is currently insufficient to determine the role of this variant in disease. Therefore, it has been classified as a Variant of Uncertain Significance.

NM_000780.4(CYP7A1):c.1316C>T (p.Ser439Leu)

Gene: CYP7A1 (cytochrome P450 family 7 subfamily A member 1; minus strand). Cytogenetic location: 8q12.1.
Variant type: single nucleotide variant.
Coding change: c.1316C>T on transcript NM_000780.4 (MANE Select); coding-DNA position 1316, C replaced by T.
Protein change: p.Ser439Leu; replaces serine 439 with leucine.
Molecular consequence: missense variant.
Genome position (GRCh38, 1-based): chr8:58,491,674, G>A on the plus strand (C>T on the coding strand, the complement: CYP7A1 is on the minus strand). VCF-style: chr8-58491674-G-A. GRCh37 (hg19) VCF-style: chr8-59404233-G-A.
Other names: short protein forms S439L.
Identifiers: ClinVar variation 4798221 (VCV004798221.1).